The following is an entry in ClinVar:

ClinVar aggregate classification (germline): Uncertain significance (1 of 4 stars; one submission).

Submission:

Ambry Genetics
Classification: Uncertain significance. Last evaluated: 2026-05-13. Review status: criteria provided, single submitter. Criteria: Ambry Variant Classification Scheme 2023. Collection method: clinical testing. Allele origin: germline.
Comment: The c.2093C>T (p.A698V) alteration is located in exon 6 (coding exon 3) of the ADGRG4 gene. This alteration results from a C to T substitution at nucleotide position 2093, causing the alanine (A) at amino acid position 698 to be replaced by a valine (V). Based on data from gnomAD, the T allele has an overall frequency of <0.001% (1/182159) total alleles studied. The highest observed frequency was 0.005% (1/18940) of South Asian alleles. Based on insufficient or conflicting evidence, the clinical significance of this alteration remains unclear.

NM_153834.4(ADGRG4):c.2093C>T (p.Ala698Val)

Gene: ADGRG4 (adhesion G protein-coupled receptor G4; plus strand). Cytogenetic location: Xq26.3.
Variant type: single nucleotide variant.
Coding change: c.2093C>T on transcript NM_153834.4 (MANE Select); coding-DNA position 2093, C replaced by T.
Protein change: p.Ala698Val; replaces alanine 698 with valine.
Molecular consequence: missense variant.
Genome position (GRCh38, 1-based): chrX:136,345,799, C>T. VCF-style: chrX-136345799-C-T. GRCh37 (hg19) VCF-style: chrX-135427958-C-T.
Other names: short protein forms A698V.
Identifiers: ClinVar variation 4867890 (VCV004867890.1).